The following is an entry in ClinVar:

NM_001394998.1(TANC2):c.6118G>A (p.Ala2040Thr)

Gene: TANC2 (tetratricopeptide repeat, ankyrin repeat and coiled-coil containing 2; plus strand). Cytogenetic location: 17q23.3.
Variant type: single nucleotide variant.
Coding change: c.6118G>A on transcript NM_001394998.1 (MANE Select); coding-DNA position 6118, G replaced by A.
Protein change: p.Ala2040Thr; replaces alanine 2040 with threonine.
Molecular consequence: missense variant.
Genome position (GRCh38, 1-based): chr17:63,421,848, G>A. VCF-style: chr17-63421848-G-A. GRCh37 (hg19) VCF-style: chr17-61499209-G-A.
Other names: c.5896G>A, p.Ala1966Thr (NM_001411076.1); c.5866G>A, p.Ala1956Thr (NM_025185.4); short protein forms A1956T, A1966T, A2040T.
Identifiers: ClinVar variation 5017910 (VCV005017910.1).

ClinVar aggregate classification (germline): Uncertain significance (1 of 4 stars; one submission).

Submission:

GeneDx
Classification: Uncertain significance. Last evaluated: 2026-03-30. Review status: criteria provided, single submitter. Criteria: GeneDx Variant Classification Process June 2021. Collection method: clinical testing. Allele origin: germline.
Comment: Not observed at significant frequency in large population cohorts (gnomAD); In silico analysis suggests that this missense variant does not alter protein structure/function; Has not been previously published as pathogenic or benign to our knowledge